The following is an entry in ClinVar:

NM_001130438.3(SPTAN1):c.3183T>C (p.Ser1061=)

Gene: SPTAN1 (spectrin alpha, non-erythrocytic 1; plus strand). Cytogenetic location: 9q34.11.
Variant type: single nucleotide variant.
Coding change: c.3183T>C on transcript NM_001130438.3 (MANE Select); coding-DNA position 3183, T replaced by C.
Protein change: p.Ser1061=; no amino-acid change (serine 1061 retained).
Molecular consequence: synonymous variant. On other transcripts: intron variant (3).
Genome position (GRCh38, 1-based): chr9:128,593,010, T>C. VCF-style: chr9-128593010-T-C. GRCh37 (hg19) VCF-style: chr9-131355289-T-C.
Other names: c.3183T>C, p.Ser1061= (NM_001363759.2, NM_001375310.1, NM_001375311.2 and 2 more transcripts); c.3219T>C, p.Ser1073= (NM_001375312.2, NM_001375318.1); c.3156-1165T>C (NM_001375314.2, NM_001363765.2, NM_001195532.2).
Identifiers: ClinVar variation 1149111 (VCV001149111.33), dbSNP rs776441600, ClinGen allele CA5264870.

ClinVar aggregate classification (germline): Likely benign. Review status: criteria provided, multiple submitters, no conflicts (2 of 4 stars). 2 submissions from 2 submitters: Likely benign (2). Last evaluated 2025-04-09.

Conditions:
Early-infantile DEE. Also called: Ohtahara syndrome; Early infantile epileptic encephalopathy; Early infantile epileptic encephalopathy with suppression bursts. Identifiers: Orphanet 1934, MedGen C0393706, MONDO:0800491.

Allele frequency attached by ClinVar (database versions not stated): gnomAD exomes 0.00001 and 0.00002; TOPMed 0.00002; ExAC 0.00004.
gnomAD v4.1: 15 of 1,610,392 alleles (0.00093%); highest among the groups gnomAD compares: East Asian, 0.0067%; no homozygotes.

Submissions (2):

Labcorp Genetics (formerly Invitae), Labcorp
Classification: Likely benign for Early-infantile DEE. Last evaluated: 2025-04-09. Review status: criteria provided, single submitter. Criteria: Invitae Variant Classification Sherloc (09022015). Collection method: clinical testing. Allele origin: germline.

CeGaT Center for Human Genetics Tuebingen
Classification: Likely benign. Last evaluated: 2023-06-01. Review status: criteria provided, single submitter. Criteria: CeGaT Center For Human Genetics Tuebingen Variant Classification Criteria Version 2. Collection method: clinical testing. Allele origin: germline. Affected: yes. Observed: 1 variant allele.
Comment: SPTAN1: BP4